The following is an entry in ClinVar:

NM_000138.5(FBN1):c.250A>G (p.Ile84Val)

Gene: FBN1 (fibrillin 1; minus strand). Cytogenetic location: 15q21.1.
Variant type: single nucleotide variant.
Coding change: c.250A>G on transcript NM_000138.5 (MANE Select); coding-DNA position 250, A replaced by G.
Protein change: p.Ile84Val; replaces isoleucine 84 with valine.
Molecular consequence: missense variant.
Genome position (GRCh38, 1-based): chr15:48,610,824, T>C on the plus strand (A>G on the coding strand, the complement: FBN1 is on the minus strand). VCF-style: chr15-48610824-T-C. GRCh37 (hg19) VCF-style: chr15-48903021-T-C.
Other names: c.250A>G, p.Ile84Val (NM_001406716.1, NM_001406717.1); short protein forms I84V.
Identifiers: ClinVar variation 3762700 (VCV003762700.3).
Genomic context (GRCh38, chr15:48,610,824, plus strand): 5'-ATGGGCAAGTGCACATATTTGGCCTCGAACAAAATCCATCCCCACAGGAATGCCGGCAAA[T>C]GGCTGTGAATAAACCAGAGGTCTGTTAGCACATGGATTTGGAACACGATTTGTTATAGGG-3'
Protein context (NP_000129.3, residues 74-94): LPGGNQCIVP[Ile84Val]CRHSCGDGFC

ClinVar aggregate classification (germline): Uncertain significance. Review status: criteria provided, multiple submitters, no conflicts (2 of 4 stars). 2 submissions from 2 submitters: Uncertain significance (2). Last evaluated 2024-09-02.

Conditions:
Marfan syndrome (MFS). Also called: MARFAN SYNDROME, TYPE I; Marfan syndrome type 1; Marfan's syndrome; Marfan syndrome, classic; FBN1-Related Marfan Syndrome. Identifiers: Orphanet 284963, Orphanet 558, MedGen C0024796, MONDO:0007947, OMIM 154700.
Familial thoracic aortic aneurysm and aortic dissection (TAAD). Also called: Thoracic aortic aneurysms and dissections. Identifiers: Orphanet 91387, MedGen C4707243, MONDO:0019625.

gnomAD v4.1: 4 of 1,613,410 alleles (0.00025%); no homozygotes.

Submissions (2):

Labcorp Genetics (formerly Invitae), Labcorp
Classification: Uncertain significance for Marfan syndrome; Familial thoracic aortic aneurysm and aortic dissection. Last evaluated: 2024-09-02. Review status: criteria provided, single submitter. Criteria: Invitae Variant Classification Sherloc (09022015). Collection method: clinical testing. Allele origin: germline.
Comment: This sequence change replaces isoleucine, which is neutral and non-polar, with valine, which is neutral and non-polar, at codon 84 of the FBN1 protein (p.Ile84Val). This variant is not present in population databases (gnomAD no frequency). This variant has not been reported in the literature in individuals affected with FBN1-related conditions. An algorithm developed to predict the effect of missense changes on protein structure and function (PolyPhen-2) suggests that this variant is likely to be disruptive. In summary, the available evidence is currently insufficient to determine the role of this variant in disease. Therefore, it has been classified as a Variant of Uncertain Significance.

Blueprint Genetics
Classification: Uncertain significance. Last evaluated: 2021-12-15. Review status: criteria provided, single submitter. Criteria: ACMG Guidelines, 2015. Collection method: clinical testing. Allele origin: germline.